The following is an entry in ClinVar:

NM_182920.2(ADAMTS9):c.5171G>A (p.Arg1724Gln)

Genes: ADAMTS9 (ADAM metallopeptidase with thrombospondin type 1 motif 9; minus strand), LOC126806704 (BRD4-independent group 4 enhancer GRCh37_chr3:64526487-64527686; plus strand). Cytogenetic location: 3p14.1.
Variant type: single nucleotide variant.
Coding change: c.5171G>A on transcript NM_182920.2 (MANE Select); coding-DNA position 5171, G replaced by A.
Protein change: p.Arg1724Gln; replaces arginine 1724 with glutamine.
Molecular consequence: missense variant.
Genome position (GRCh38, 1-based): chr3:64,541,864, C>T on the plus strand (G>A on the coding strand, the complement: ADAMTS9 is on the minus strand). VCF-style: chr3-64541864-C-T. GRCh37 (hg19) VCF-style: chr3-64527540-C-T.
Other names: c.5171G>A (NM_182920.1); c.5087G>A, p.Arg1696Gln (NM_001318781.2); short protein forms R1696Q, R1724Q.
Identifiers: ClinVar variation 2964161 (VCV002964161.4), dbSNP rs180705803, ClinGen allele CA2480256.

ClinVar aggregate classification (germline): Uncertain significance. Review status: criteria provided, multiple submitters, no conflicts (2 of 4 stars). 2 submissions from 2 submitters: Uncertain significance (2). Last evaluated 2025-08-26.

Allele frequency attached by ClinVar (database versions not stated): TOPMed 0.00004; gnomAD 0.00005; ExAC 0.00171.

Submissions (2):

Ambry Genetics
Classification: Uncertain significance. Last evaluated: 2025-08-26. Review status: criteria provided, single submitter. Criteria: Ambry Variant Classification Scheme 2023. Collection method: clinical testing. Allele origin: germline.

Labcorp Genetics (formerly Invitae), Labcorp
Classification: Uncertain significance. Last evaluated: 2024-03-02. Review status: criteria provided, single submitter. Criteria: Invitae Variant Classification Sherloc (09022015). Collection method: clinical testing. Allele origin: germline.
Comment: This sequence change replaces arginine, which is basic and polar, with glutamine, which is neutral and polar, at codon 1724 of the ADAMTS9 protein (p.Arg1724Gln). The frequency data for this variant in the population databases is considered unreliable, as metrics indicate poor data quality at this position in the gnomAD database. This variant has not been reported in the literature in individuals affected with ADAMTS9-related conditions. Algorithms developed to predict the effect of missense changes on protein structure and function output the following: SIFT: "Not Available"; PolyPhen-2: "Benign"; Align-GVGD: "Not Available". The glutamine amino acid residue is found in multiple mammalian species, which suggests that this missense change does not adversely affect protein function. In summary, the available evidence is currently insufficient to determine the role of this variant in disease. Therefore, it has been classified as a Variant of Uncertain Significance.